The following is an entry in ClinVar:

NM_138425.4(C12orf57):c.5C>T (p.Ala2Val)

Gene: C12orf57 (chromosome 12 open reading frame 57; plus strand). Cytogenetic location: 12p13.31.
Variant type: single nucleotide variant.
Coding change: c.5C>T on transcript NM_138425.4 (MANE Select); coding-DNA position 5, C replaced by T.
Protein change: p.Ala2Val; replaces alanine 2 with valine.
Molecular consequence: missense variant. On other transcripts: 5 prime UTR variant (1), non-coding transcript variant (1), intron variant (1).
Genome position (GRCh38, 1-based): chr12:6,944,126, C>T. VCF-style: chr12-6944126-C-T. GRCh37 (hg19) VCF-style: chr12-7053289-C-T.
Other names: c.5C>T, p.Ala2Val (NM_001301834.1, NM_001301837.2); c.-197C>T (NM_001301838.2); c.14-350C>T (NM_001301836.2); short protein forms A2V.
Identifiers: ClinVar variation 1953186 (VCV001953186.5), dbSNP rs376233498, ClinGen allele CA6421161.

ClinVar aggregate classification (germline): Uncertain significance (1 of 4 stars; one submission).

Conditions:
Temtamy syndrome (TEMTYS). Also called: MENTAL RETARDATION WITH OR WITHOUT CRANIOFACIAL DYSMORPHISM, OCULAR COLOBOMA, OR ABNORMAL CORPUS CALLOSUM. Identifiers: Orphanet 1777, MedGen C1857512, MONDO:0009033, OMIM 218340.

Allele frequency attached by ClinVar (database versions not stated): ExAC 0.00001; gnomAD 0.00001; ESP Exome Variant Server 0.00008.
gnomAD v4.1: 4 of 1,614,134 alleles (0.00025%); highest among the groups gnomAD compares: Admixed American, 0.0017%; no homozygotes.

Submission:

Labcorp Genetics (formerly Invitae), Labcorp
Classification: Uncertain significance for Temtamy syndrome. Last evaluated: 2022-03-13. Review status: criteria provided, single submitter. Criteria: Invitae Variant Classification Sherloc (09022015). Collection method: clinical testing. Allele origin: germline.
Comment: Algorithms developed to predict the effect of missense changes on protein structure and function are either unavailable or do not agree on the potential impact of this missense change (SIFT: "Deleterious"; PolyPhen-2: "Benign"; Align-GVGD: "Class C0"). In summary, the available evidence is currently insufficient to determine the role of this variant in disease. Therefore, it has been classified as a Variant of Uncertain Significance. This sequence change replaces alanine, which is neutral and non-polar, with valine, which is neutral and non-polar, at codon 2 of the C12orf57 protein (p.Ala2Val). This variant is present in population databases (rs376233498, gnomAD 0.0009%). This variant has not been reported in the literature in individuals affected with C12orf57-related conditions.